The following is an entry in ClinVar:

ClinVar aggregate classification (germline): Uncertain significance. Review status: criteria provided, multiple submitters, no conflicts (2 of 4 stars). 2 submissions from 2 submitters: Uncertain significance (2). Last evaluated 2025-11-03.

Conditions:
TTN-related disorder. Also called: TTN-related condition; TTN-related disease; TTN-related disorders.

Allele frequency attached by ClinVar (database versions not stated): ExAC 0.00001; ESP Exome Variant Server 0.00016.
gnomAD v4.1: 18 of 1,613,588 alleles (0.0011%); highest among the groups gnomAD compares: African/African-American, 0.021%; no homozygotes.

Submissions (2):

PreventionGenetics, part of Exact Sciences
Classification: Uncertain significance for TTN-related condition. Last evaluated: 2025-11-03. Review status: criteria provided, single submitter. Criteria: ACMG Guidelines, 2015. Collection method: clinical testing. Allele origin: germline.
Comment: The TTN c.24951C>G variant is predicted to result in the amino acid substitution p.Asn8317Lys. To our knowledge, this variant has not been reported in the literature. This variant is reported in 0.026% of alleles in individuals of African descent in gnomAD. At this time, the clinical significance of this variant is uncertain due to the absence of conclusive functional and genetic evidence.

CeGaT Center for Human Genetics Tuebingen
Classification: Uncertain significance. Last evaluated: 2024-04-01. Review status: criteria provided, single submitter. Criteria: CeGaT Center For Human Genetics Tuebingen Variant Classification Criteria Version 2. Collection method: clinical testing. Allele origin: germline. Affected: yes. Observed: 1 variant allele.
Comment: TTN: PM2

NM_001267550.2(TTN):c.24951C>G (p.Asn8317Lys)

Gene: TTN (titin; minus strand). Cytogenetic location: 2q31.2.
Variant type: single nucleotide variant.
Coding change: c.24951C>G on transcript NM_001267550.2 (MANE Select); coding-DNA position 24951, C replaced by G.
Protein change: p.Asn8317Lys; replaces asparagine 8317 with lysine.
Molecular consequence: missense variant. On other transcripts: intron variant (3).
Genome position (GRCh38, 1-based): chr2:178,718,055, G>C on the plus strand (C>G on the coding strand, the complement: TTN is on the minus strand). VCF-style: chr2-178718055-G-C. GRCh37 (hg19) VCF-style: chr2-179582782-G-C.
Other names: c.24000C>G, p.Asn8000Lys (NM_001256850.1); c.21219C>G, p.Asn7073Lys (NM_133378.4); c.13282+20027C>G (NM_003319.4); c.13858+20027C>G (NM_133437.4); c.13657+20027C>G (NM_133432.3); short protein forms N7073K, N8000K, N8317K.
Identifiers: ClinVar variation 3234684 (VCV003234684.21), dbSNP rs370154022, ClinGen allele CA2000315.